The following is an entry in ClinVar:

ClinVar aggregate classification (germline): Uncertain significance (1 of 4 stars; one submission).

Conditions:
Familial cancer of breast. Also called: Hereditary breast cancer; hereditary breast carcinoma; BREAST CANCER, FAMILIAL. Identifiers: Orphanet 227535, MedGen C0346153, MONDO:0016419, OMIM 114480. Disease mechanism: loss of function.

Submission:

Labcorp Genetics (formerly Invitae), Labcorp
Classification: Uncertain significance for Familial cancer of breast. Last evaluated: 2024-08-07. Review status: criteria provided, single submitter. Criteria: Invitae Variant Classification Sherloc (09022015). Collection method: clinical testing. Allele origin: germline.
Comment: This variant, c.1120_1122del, results in the deletion of 1 amino acid(s) of the BARD1 protein (p.Gly374del), but otherwise preserves the integrity of the reading frame. This variant is not present in population databases (gnomAD no frequency). This variant has not been reported in the literature in individuals affected with BARD1-related conditions. Experimental studies and prediction algorithms are not available or were not evaluated, and the functional significance of this variant is currently unknown. In summary, the available evidence is currently insufficient to determine the role of this variant in disease. Therefore, it has been classified as a Variant of Uncertain Significance.

NM_000465.4(BARD1):c.1117GGT[1] (p.Gly374del)

Gene: BARD1 (BRCA1 associated RING domain 1; minus strand). Cytogenetic location: 2q35.
Variant type: Microsatellite.
Coding change: c.1117GGT[1] on transcript NM_000465.4 (MANE Select); one copy of the 3-base unit GGT starting at c.1117; the reference has two copies in a row; one copy, 3 bases deleted.
Protein change: p.Gly374del; deletes glycine 374.
Molecular consequence: non-coding transcript variant (on NR_104212.2). On other transcripts: intron variant (3).
Genome position (GRCh38, 1-based): chr2:214,780,752-214,780,754, ACC deleted on the plus strand (GGT on the coding strand, the reverse complement: BARD1 is on the minus strand); deleting any 3 consecutive bases within chr2:214,780,752-214,780,758 gives the same sequence; the position shown is the placement nearest the transcript's 3' end. VCF-style (leftmost placement, unchanged base first): chr2-214780751-TACC-T. GRCh37 (hg19) VCF-style: chr2-215645475-TACC-T.
Other names: c.1060GGT[1], p.Gly355del (NM_001282543.2); c.159-28199_159-28197del (NM_001282548.2); c.215+16307_215+16309del (NM_001282545.2); c.364+11543_364+11545del (NM_001282549.2); short protein forms G355del, G374del.
Identifiers: ClinVar variation 3661515 (VCV003661515.2).